The following is an entry in ClinVar:

ClinVar aggregate classification (germline): Uncertain significance (1 of 4 stars; one submission).

Submission:

Labcorp Genetics (formerly Invitae), Labcorp
Classification: Uncertain significance. Last evaluated: 2025-12-16. Review status: criteria provided, single submitter. Criteria: Invitae Variant Classification Sherloc (09022015). Collection method: clinical testing. Allele origin: germline.
Comment: This sequence change replaces glutamic acid, which is acidic and polar, with aspartic acid, which is acidic and polar, at codon 469 of the ABL1 protein (p.Glu469Asp). This variant is not present in population databases (gnomAD no frequency). This variant has not been reported in the literature in individuals affected with ABL1-related conditions. Invitae Evidence Modeling of protein sequence and biophysical properties (such as structural, functional, and spatial information, amino acid conservation, physicochemical variation, residue mobility, and thermodynamic stability) indicates that this missense variant is not expected to disrupt ABL1 protein function with a negative predictive value of 80%. In summary, the available evidence is currently insufficient to determine the role of this variant in disease. Therefore, it has been classified as a Variant of Uncertain Significance.

NM_005157.6(ABL1):c.1350G>C (p.Glu450Asp)

Gene: ABL1 (ABL proto-oncogene 1, non-receptor tyrosine kinase; plus strand). Cytogenetic location: 9q34.12.
Variant type: single nucleotide variant.
Coding change: c.1350G>C on transcript NM_005157.6 (MANE Select); coding-DNA position 1350, G replaced by C.
Protein change: p.Glu450Asp; replaces glutamic acid 450 with aspartic acid.
Molecular consequence: missense variant.
Genome position (GRCh38, 1-based): chr9:130,878,494, G>C. VCF-style: chr9-130878494-G-C. GRCh37 (hg19) VCF-style: chr9-133753881-G-C.
Other names: c.1407G>C, p.Glu469Asp (NM_007313.3); short protein forms E450D, E469D.
Identifiers: ClinVar variation 4745578 (VCV004745578.1).
Genomic context (GRCh38, chr9:130,878,494, plus strand): 5'-GGAAATTGCTACCTATGGCATGTCCCCTTACCCGGGAATTGACCTGTCCCAGGTGTATGA[G>C]CTGCTAGAGAAGGACTACCGCATGGAGCGCCCAGAAGGCTGCCCAGAGAAGGTCTATGAA-3'
Protein context (NP_005148.2, residues 440-460): YPGIDLSQVY[Glu450Asp]LLEKDYRMER